The following is an entry in ClinVar:

ClinVar aggregate classification (germline): Uncertain significance. Review status: criteria provided, multiple submitters, no conflicts (2 of 4 stars). 3 submissions from 3 submitters: Uncertain significance (3). Last evaluated 2023-09-01.

Conditions:
Hereditary cancer-predisposing syndrome. Also called: Neoplastic Syndromes, Hereditary; Hereditary Cancer Syndrome; Hereditary neoplastic syndrome; Tumor predisposition. Identifiers: Orphanet 140162, MedGen C0027672, MeSH D009386, MONDO:0015356.
Familial cancer of breast. Also called: BREAST CANCER, FAMILIAL; Hereditary breast cancer; hereditary breast carcinoma. Identifiers: Orphanet 227535, MedGen C0346153, MONDO:0016419, OMIM 114480. Disease mechanism: loss of function.

Submissions (3):

Ambry Genetics
Classification: Uncertain significance for Hereditary cancer-predisposing syndrome. Last evaluated: 2023-09-01. Review status: criteria provided, single submitter. Criteria: Ambry Variant Classification Scheme 2023. Collection method: clinical testing. Allele origin: germline.
Comment: The p.E658K variant (also known as c.1972G>A), located in coding exon 5 of the PALB2 gene, results from a G to A substitution at nucleotide position 1972. The glutamic acid at codon 658 is replaced by lysine, an amino acid with similar properties. This amino acid position is conserved. In addition, this alteration is predicted to be tolerated by in silico analysis. Since supporting evidence is limited at this time, the clinical significance of this alteration remains unclear.

Baylor Genetics
Classification: Uncertain significance for Familial cancer of breast. Last evaluated: 2023-06-29. Review status: criteria provided, single submitter. Criteria: ACMG Guidelines, 2015. Collection method: clinical testing. Allele origin: unknown.

Labcorp Genetics (formerly Invitae), Labcorp
Classification: Uncertain significance for Familial cancer of breast. Last evaluated: 2018-07-24. Review status: criteria provided, single submitter. Criteria: Invitae Variant Classification Sherloc (09022015). Collection method: clinical testing. Allele origin: germline.
Comment: This sequence change replaces glutamic acid with lysine at codon 658 of the PALB2 protein (p.Glu658Lys). The glutamic acid residue is moderately conserved and there is a small physicochemical difference between glutamic acid and lysine. This variant is not present in population databases (ExAC no frequency). This variant has not been reported in the literature in individuals with a PALB2-related disease. Algorithms developed to predict the effect of missense changes on protein structure and function do not agree on the potential impact of this missense change (SIFT: "Tolerated"; PolyPhen-2: "Possibly Damaging"; Align-GVGD: "Class C0"). In summary, this variant has uncertain impact on PALB2 function. The available evidence is currently insufficient to determine its role in disease. Therefore, it has been classified as a Variant of Uncertain Significance.

NM_024675.4(PALB2):c.1972G>A (p.Glu658Lys)

Gene: PALB2 (partner and localizer of BRCA2; minus strand). Cytogenetic location: 16p12.2.
Variant type: single nucleotide variant.
Coding change: c.1972G>A on transcript NM_024675.4 (MANE Select); coding-DNA position 1972, G replaced by A.
Protein change: p.Glu658Lys; replaces glutamic acid 658 with lysine.
Molecular consequence: missense variant.
Genome position (GRCh38, 1-based): chr16:23,630,182, C>T on the plus strand (G>A on the coding strand, the complement: PALB2 is on the minus strand). VCF-style: chr16-23630182-C-T. GRCh37 (hg19) VCF-style: chr16-23641503-C-T.
Other names: short protein forms E658K.
Identifiers: ClinVar variation 460919 (VCV000460919.13), dbSNP rs1555460542, ClinGen allele CA395127310.
Genomic context (GRCh38, chr16:23,630,182, plus strand): 5'-GAACAATAAGGTCCTCTTCTAAGTCCTCCATTTCTGTATCCATGCGTTTAGGACTCAGTT[C>T]CTCTGGAAAAATACAGCTTCCCTCTTTAAGATGTCTCTCTCCAAACATTTTTGACTCAAA-3'
Protein context (NP_078951.2, residues 648-668): LKEGSCIFPE[Glu658Lys]LSPKRMDTEM